The following is an entry in ClinVar:

ClinVar aggregate classification (germline): Uncertain significance (1 of 4 stars; one submission).

Allele frequency attached by ClinVar (database versions not stated): gnomAD exomes below 0.00001; gnomAD 0.00001.
gnomAD v4.1: 2 of 1,614,068 alleles (0.00012%); highest among the groups gnomAD compares: African/African-American, 0.0027%; no homozygotes.

Submission:

Ambry Genetics
Classification: Uncertain significance. Last evaluated: 2023-12-16. Review status: criteria provided, single submitter. Criteria: Ambry Variant Classification Scheme 2023. Collection method: clinical testing. Allele origin: germline.
Comment: The p.D806N variant (also known as c.2416G>A), located in coding exon 13 of the NPAT gene, results from a G to A substitution at nucleotide position 2416. The aspartic acid at codon 806 is replaced by asparagine, an amino acid with highly similar properties. This amino acid position is conserved. In addition, this alteration is predicted to be tolerated by in silico analysis. Since supporting evidence is limited at this time, the clinical significance of this alteration remains unclear.

NM_002519.3(NPAT):c.2416G>A (p.Asp806Asn)

Gene: NPAT (nuclear protein, coactivator of histone transcription; minus strand). Cytogenetic location: 11q22.3.
Variant type: single nucleotide variant.
Coding change: c.2416G>A on transcript NM_002519.3 (MANE Select); coding-DNA position 2416, G replaced by A.
Protein change: p.Asp806Asn; replaces aspartic acid 806 with asparagine.
Molecular consequence: missense variant.
Genome position (GRCh38, 1-based): chr11:108,172,568, C>T on the plus strand (G>A on the coding strand, the complement: NPAT is on the minus strand). VCF-style: chr11-108172568-C-T. GRCh37 (hg19) VCF-style: chr11-108043295-C-T.
Other names: c.2416G>A, p.Asp806Asn (NM_001321307.1); short protein forms D806N.
Identifiers: ClinVar variation 1790945 (VCV001790945.2), dbSNP rs1397138196, ClinGen allele CA382513031.